The following is an entry in ClinVar:

ClinVar aggregate classification (germline): Pathogenic (1 of 4 stars; one submission).

Conditions:
Hereditary cancer-predisposing syndrome. Also called: Tumor predisposition; Hereditary Cancer Syndrome; Hereditary neoplastic syndrome; Neoplastic Syndromes, Hereditary. Identifiers: Orphanet 140162, MedGen C0027672, MeSH D009386, MONDO:0015356.

Submission:

Ambry Genetics
Classification: Pathogenic for Hereditary cancer-predisposing syndrome. Last evaluated: 2023-09-08. Review status: criteria provided, single submitter. Criteria: Ambry Variant Classification Scheme 2023. Collection method: clinical testing. Allele origin: germline.
Comment: The p.W113* pathogenic mutation (also known as c.339G>A), located in coding exon 3 of the MUTYH gene, results from a G to A substitution at nucleotide position 339. This changes the amino acid from a tryptophan to a stop codon within coding exon 3. This variant is considered to be rare based on population cohorts in the Genome Aggregation Database (gnomAD). This alteration is expected to result in loss of function by premature protein truncation or nonsense-mediated mRNA decay. As such, this alteration is interpreted as a disease-causing mutation.

NM_001048174.2(MUTYH):c.255G>A (p.Trp85Ter)

Gene: MUTYH (mutY DNA glycosylase; minus strand). Cytogenetic location: 1p34.1.
Variant type: single nucleotide variant.
Coding change: c.255G>A on transcript NM_001048174.2 (MANE Select); coding-DNA position 255, G replaced by A.
Protein change: p.Trp85Ter; replaces tryptophan 85 with a stop codon.
Molecular consequence: nonsense. On other transcripts: 5 prime UTR variant (6), non-coding transcript variant (7).
Genome position (GRCh38, 1-based): chr1:45,333,422, C>T on the plus strand (G>A on the coding strand, the complement: MUTYH is on the minus strand). VCF-style: chr1-45333422-C-T. GRCh37 (hg19) VCF-style: chr1-45799094-C-T.
Other names: c.255G>A, p.Trp85Ter (NM_001048171.2, NM_001048173.2, NM_001293195.2 and 6 more transcripts); c.258G>A, p.Trp86Ter (NM_001048172.2, NM_001407071.1, NM_001407078.1 and 2 more transcripts); c.339G>A, p.Trp113Ter (NM_001128425.2); c.300G>A, p.Trp100Ter (NM_001293190.2); c.288G>A, p.Trp96Ter (NM_001293191.2, NM_001407077.1); c.-22G>A (NM_001293192.2, NM_001293196.2, NM_001407091.1); c.-17G>A (NM_001350650.2, NM_001350651.2, NM_001407082.1); c.330G>A, p.Trp110Ter (NM_001407069.1, NM_012222.3); and 3 more; short protein forms W100*, W110*, W86*, W96*, W57*, W99*, W85*, W113*.
Identifiers: ClinVar variation 2587456 (VCV002587456.2), dbSNP rs2149172097, ClinGen allele CA340136349.